The following is an entry in ClinVar:

NM_000548.5(TSC2):c.2356-5T>G

Gene: TSC2 (TSC complex subunit 2; plus strand). Cytogenetic location: 16p13.3.
Variant type: single nucleotide variant.
Coding change: c.2356-5T>G on transcript NM_000548.5 (MANE Select); 5 bases into the intron before coding-DNA position 2356, T replaced by G.
Molecular consequence: intron variant.
Genome position (GRCh38, 1-based): chr16:2,074,195, T>G. VCF-style: chr16-2074195-T-G. GRCh37 (hg19) VCF-style: chr16-2124196-T-G.
Other names: c.2356-5T>G (NM_001114382.3, NM_021055.3, NM_001370405.1 and 3 more transcripts); c.2245-5T>G (NM_001318827.2); c.1756-5T>G (NM_001318831.2); c.2209-5T>G (NM_001318829.2); c.2389-5T>G (NM_001318832.2).
Identifiers: ClinVar variation 207729 (VCV000207729.19), dbSNP rs796053488, ClinGen allele CA319473.

ClinVar aggregate classification (germline): Conflicting classifications of pathogenicity. Review status: criteria provided, conflicting classifications (1 of 4 stars). 5 submissions from 5 submitters: Uncertain significance (3); Likely benign (2). Last evaluated 2025-12-13.

Conditions:
Hereditary cancer-predisposing syndrome. Also called: Neoplastic Syndromes, Hereditary; Hereditary Cancer Syndrome; Tumor predisposition; Hereditary neoplastic syndrome. Identifiers: Orphanet 140162, MedGen C0027672, MeSH D009386, MONDO:0015356.
Tuberous sclerosis syndrome (TSC). Also called: Tuberous Sclerosis Complex; Tuberous sclerosis. Identifiers: Orphanet 805, MedGen C0041341, MONDO:0001734.
Tuberous sclerosis 2 (TSC2). Identifiers: Orphanet 805, MedGen C1860707, MONDO:0013199, OMIM 613254.

Allele frequency attached by ClinVar (database versions not stated): TOPMed below 0.00001.

Submissions (5):

Labcorp Genetics (formerly Invitae), Labcorp
Classification: Likely benign for Tuberous sclerosis 2. Last evaluated: 2025-12-13. Review status: criteria provided, single submitter. Criteria: Invitae Variant Classification Sherloc (09022015). Collection method: clinical testing. Allele origin: germline.

Ambry Genetics
Classification: Likely benign for Hereditary cancer-predisposing syndrome. Last evaluated: 2024-07-30. Review status: criteria provided, single submitter. Criteria: Ambry Variant Classification Scheme 2023. Collection method: clinical testing. Allele origin: germline.

All of Us Research Program, National Institutes of Health
Classification: Uncertain significance for Tuberous sclerosis syndrome. Last evaluated: 2023-10-02. Review status: criteria provided, single submitter. Criteria: ACMG Guidelines, 2015. Collection method: clinical testing. Allele origin: germline. Inheritance: Autosomal dominant inheritance. Observed: 3 variant alleles, 3 heterozygotes.
Comment: This variant causes a T to G nucleotide substitution at the -5 position of intron 21 of the TSC2 gene. Splice site prediction tools suggest that this variant may not impact RNA splicing. To our knowledge, functional studies have not been reported for this variant. This variant has not been reported in individuals affected with TSC2-related disorders in the literature. This variant has not been identified in the general population by the Genome Aggregation Database (gnomAD). The available evidence is insufficient to determine the role of this variant in disease conclusively. Therefore, this variant is classified as a Variant of Uncertain Significance.

This study involves interpretation of variants in research participants for the purpose of population health screening. Participant phenotype was not available at the time of variant classification. Additional details can be found in publication PMID: 35346344, PMCID: PMC8962531

Genome-Nilou Lab
Classification: Uncertain significance for Tuberous sclerosis 2. Last evaluated: 2021-11-07. Review status: criteria provided, single submitter. Criteria: ACMG Guidelines, 2015. Collection method: clinical testing. Allele origin: germline. Affected: no.

GeneDx
Classification: Uncertain significance. Last evaluated: 2018-07-18. Review status: criteria provided, single submitter. Criteria: GeneDx Variant Classification (06012015). Collection method: clinical testing. Allele origin: germline. Affected: yes.
Comment: c.2356-5 T>G: IVS21-5 T>G in the TSC2 gene (NM_000548.3). The c.2356-5 T>G nucleotide substitution has not been published as a mutation, nor has it been reported as a benign polymorphism to our knowledge. It was not observed in approximately 6,000 individuals of European and African Ancestry in the NHLBI Exome Sequencing Project, indicating that it is not a common benign variant in these populations. Few in-silico algorithms predict the c.2356-5 T>G substitution may damage or even destroy the natural splice acceptor site in intron 21, possibly leading to abnormal gene splicing. However, in the absence of RNA/functional studies, the actual effect of the c.2356-5 T>G sequence change is unknown. Therefore, based on the currently available information, it s unclear whether c.2356-5 T>G is a disease-causing mutation or a rare benign variant. The variant is found in EPILEPSY panel(s).